The following is an entry in ClinVar:

ClinVar aggregate classification (germline): Likely pathogenic (1 of 4 stars; one submission).

Conditions:
Dilated cardiomyopathy 1G (CMD1G). Identifiers: Orphanet 154, MedGen C1858763, MONDO:0011400, OMIM 604145.
Autosomal recessive limb-girdle muscular dystrophy type 2J (LGMDR10). Also called: Limb-girdle muscular dystrophy, type 2J; MUSCULAR DYSTROPHY, LIMB-GIRDLE, AUTOSOMAL RECESSIVE 10. Identifiers: Orphanet 140922, MedGen C1837342, MONDO:0012127, OMIM 608807.

Submission:

Labcorp Genetics (formerly Invitae), Labcorp
Classification: Likely pathogenic for Dilated cardiomyopathy 1G; Autosomal recessive limb-girdle muscular dystrophy type 2J. Last evaluated: 2025-06-03. Review status: criteria provided, single submitter. Criteria: Invitae Variant Classification Sherloc (09022015). Collection method: clinical testing. Allele origin: germline.
Comment: This sequence change creates a premature translational stop signal (p.Ser25036Aspfs*7) in the TTN gene. While this is not anticipated to result in nonsense mediated decay, it is expected to create a truncated TTN protein. This variant is not present in population databases (gnomAD no frequency). This variant has not been reported in the literature in individuals affected with TTN-related conditions. ClinVar contains an entry for this variant (Variation ID: 1523785). This variant is located in the A band of TTN (PMID: 25589632). Truncating variants in this region are significantly overrepresented in patients affected with dilated cardiomyopathy (PMID: 25589632). Truncating variants in this region have also been reported in individuals affected with autosomal recessive centronuclear myopathy (PMID: 23975875). In summary, the currently available evidence indicates that the variant is pathogenic, but additional data are needed to prove that conclusively. Therefore, this variant has been classified as Likely Pathogenic.

Literature cited by the submitters: PubMed 25589632; PubMed 23975875.

NM_001267550.2(TTN):c.75106_75110del (p.Ser25036fs)

Genes: TTN (titin; minus strand), TTN-AS1 (TTN antisense RNA 1; plus strand). Cytogenetic location: 2q31.2.
Variant type: Deletion.
Coding change: c.75106_75110del on transcript NM_001267550.2 (MANE Select); coding-DNA positions 75106 to 75110, 5 bases deleted (AGCAA; older notation c.75106_75110delAGCAA).
Protein change: p.Ser25036fs; shifts the reading frame from serine 25036.
Molecular consequence: frameshift variant.
Genome position (GRCh38, 1-based): chr2:178,571,022-178,571,026, TTGCT deleted on the plus strand (AGCAA on the coding strand, the reverse complement: TTN is on the minus strand); deleting any 5 consecutive bases within chr2:178,571,022-178,571,027 gives the same sequence; the c. name uses the placement nearest the transcript's 3' end. VCF-style (leftmost placement, unchanged base first): chr2-178571021-CTTGCT-C. GRCh37 (hg19) VCF-style: chr2-179435748-CTTGCT-C.
Other names: c.70183_70187del, p.Ser23395fs (NM_001256850.1); c.47911_47915del, p.Ser15971fs (NM_003319.4); c.67402_67406del, p.Ser22468fs (NM_133378.4); c.48286_48290del, p.Ser16096fs (NM_133432.3); c.48487_48491del, p.Ser16163fs (NM_133437.4); short protein forms S15971fs, S16096fs, S16163fs, S25036fs, S22468fs, S23395fs.
Identifiers: ClinVar variation 1523785 (VCV001523785.6), dbSNP rs2154169014, ClinGen allele CA2573134120.